The following is an entry in ClinVar:

NM_005612.5(REST):c.326T>C (p.Met109Thr)

Gene: REST (RE1 silencing transcription factor; plus strand). Cytogenetic location: 4q12.
Variant type: single nucleotide variant.
Coding change: c.326T>C on transcript NM_005612.5 (MANE Select); coding-DNA position 326, T replaced by C.
Protein change: p.Met109Thr; replaces methionine 109 with threonine.
Molecular consequence: missense variant.
Genome position (GRCh38, 1-based): chr4:56,910,964, T>C. VCF-style: chr4-56910964-T-C. GRCh37 (hg19) VCF-style: chr4-57777130-T-C.
Other names: c.326T>C, p.Met109Thr (NM_001193508.2, NM_001363453.3, NM_001440532.1 and 1 more transcripts); short protein forms M109T.
Identifiers: ClinVar variation 4706289 (VCV004706289.1).

ClinVar aggregate classification (germline): Uncertain significance (1 of 4 stars; one submission).

Submission:

Labcorp Genetics (formerly Invitae), Labcorp
Classification: Uncertain significance. Last evaluated: 2025-09-08. Review status: criteria provided, single submitter. Criteria: Invitae Variant Classification Sherloc (09022015). Collection method: clinical testing. Allele origin: germline.
Comment: This sequence change replaces methionine, which is neutral and non-polar, with threonine, which is neutral and polar, at codon 109 of the REST protein (p.Met109Thr). This variant is not present in population databases (gnomAD no frequency). This variant has not been reported in the literature in individuals affected with REST-related conditions. An algorithm developed to predict the effect of missense changes on protein structure and function (PolyPhen-2) suggests that this variant is likely to be disruptive. In summary, the available evidence is currently insufficient to determine the role of this variant in disease. Therefore, it has been classified as a Variant of Uncertain Significance.